The following is an entry in ClinVar:

NM_015466.4(PTPN23):c.179G>A (p.Arg60Gln)

Gene: PTPN23 (protein tyrosine phosphatase non-receptor type 23; plus strand). Cytogenetic location: 3p21.31.
Variant type: single nucleotide variant.
Coding change: c.179G>A on transcript NM_015466.4 (MANE Select); coding-DNA position 179, G replaced by A.
Protein change: p.Arg60Gln; replaces arginine 60 with glutamine.
Molecular consequence: missense variant. On other transcripts: intron variant (1).
Genome position (GRCh38, 1-based): chr3:47,404,671, G>A. VCF-style: chr3-47404671-G-A. GRCh37 (hg19) VCF-style: chr3-47446161-G-A.
Other names: c.-91-334G>A (NM_001304482.2); c.179G>A (NM_015466.2); short protein forms R60Q.
Identifiers: ClinVar variation 1462639 (VCV001462639.7), dbSNP rs938612876, ClinGen allele CA73869702.
Genomic context (GRCh38, chr3:47,404,671, plus strand): 5'-CCATATGACAACAGGCCTGCTTCTCCCATCCTGCCCCCCAGAATGCTGTCCGTGTCCCAC[G>A]AGACTTTGAGGGCTGTAGTGTCCTCCGCAAGTACCTCGGCCAGCTTCATTACCTGCAGAG-3'
Protein context (NP_056281.1, residues 50-70): LLRQNAVRVP[Arg60Gln]DFEGCSVLRK

ClinVar aggregate classification (germline): Uncertain significance. Review status: criteria provided, multiple submitters, no conflicts (2 of 4 stars). 2 submissions from 2 submitters: Uncertain significance (2). Last evaluated 2025-09-26.

Conditions:
Inborn genetic diseases. Identifiers: MedGen C0950123, MeSH D030342.

Allele frequency attached by ClinVar (database versions not stated): gnomAD 0.00001; gnomAD exomes 0.00001; TOPMed 0.00002.

Submissions (2):

Ambry Genetics
Classification: Uncertain significance for Inborn genetic diseases. Last evaluated: 2025-09-26. Review status: criteria provided, single submitter. Criteria: Ambry Variant Classification Scheme 2023. Collection method: clinical testing. Allele origin: germline.

Labcorp Genetics (formerly Invitae), Labcorp
Classification: Uncertain significance. Last evaluated: 2022-11-22. Review status: criteria provided, single submitter. Criteria: Invitae Variant Classification Sherloc (09022015). Collection method: clinical testing. Allele origin: germline.
Comment: Algorithms developed to predict the effect of missense changes on protein structure and function are either unavailable or do not agree on the potential impact of this missense change (SIFT: "Tolerated"; PolyPhen-2: "Not Available"; Align-GVGD: "Class C0"). In summary, the available evidence is currently insufficient to determine the role of this variant in disease. Therefore, it has been classified as a Variant of Uncertain Significance. ClinVar contains an entry for this variant (Variation ID: 1462639). This variant has not been reported in the literature in individuals affected with PTPN23-related conditions. This variant is present in population databases (no rsID available, gnomAD 0.004%). This sequence change replaces arginine, which is basic and polar, with glutamine, which is neutral and polar, at codon 60 of the PTPN23 protein (p.Arg60Gln).